The following is an entry in ClinVar:

ClinVar aggregate classification (germline): Likely benign (1 of 4 stars; one submission).

Allele frequency attached by ClinVar (database versions not stated): gnomAD 0.00007; gnomAD exomes 0.00008; ExAC 0.00009; TOPMed 0.00010; ESP Exome Variant Server 0.00015.
gnomAD v4.1: 127 of 1,595,790 alleles (0.008%); highest among the groups gnomAD compares: Middle Eastern, 0.1%; no homozygotes.

Submission:

CeGaT Center for Human Genetics Tuebingen
Classification: Likely benign. Last evaluated: 2023-05-01. Review status: criteria provided, single submitter. Criteria: CeGaT Center For Human Genetics Tuebingen Variant Classification Criteria Version 2. Collection method: clinical testing. Allele origin: germline. Affected: yes. Observed: 1 variant allele.
Comment: SPEN: BP4

NM_015001.3(SPEN):c.1624C>T (p.Pro542Ser)

Gene: SPEN (spen family transcriptional repressor; plus strand). Cytogenetic location: 1p36.13.
Variant type: single nucleotide variant.
Coding change: c.1624C>T on transcript NM_015001.3 (MANE Select); coding-DNA position 1624, C replaced by T.
Protein change: p.Pro542Ser; replaces proline 542 with serine.
Molecular consequence: missense variant.
Genome position (GRCh38, 1-based): chr1:15,919,506, C>T. VCF-style: chr1-15919506-C-T. GRCh37 (hg19) VCF-style: chr1-16246001-C-T.
Other names: short protein forms P542S.
Identifiers: ClinVar variation 2638304 (VCV002638304.24), dbSNP rs200005166, ClinGen allele CA619094.
Genomic context (GRCh38, chr1:15,919,506, plus strand): 5'-GATGGGCTTTCTTCGAATGTGTCAGATCAGTATTTAACACGACATTTCTGCCGATATGGG[C>T]CTGTGGTAAAGGTAGGCGGGAGGTTTTGGTATGTGGTTCAGACTTCTGACTCACTCGTCT-3'
Protein context (NP_055816.2, residues 532-552): YLTRHFCRYG[Pro542Ser]VVKVVFDRLK